The following is an entry in ClinVar:

ClinVar aggregate classification (germline): Uncertain significance (1 of 4 stars; one submission).

Conditions:
Hereditary nonpolyposis colorectal neoplasms. Identifiers: MedGen C0009405, MeSH D003123.

Submission:

Labcorp Genetics (formerly Invitae), Labcorp
Classification: Uncertain significance for Hereditary nonpolyposis colorectal neoplasms. Last evaluated: 2020-05-08. Review status: criteria provided, single submitter. Criteria: Invitae Variant Classification Sherloc (09022015). Collection method: clinical testing. Allele origin: germline.
Comment: This variant is not present in population databases (ExAC no frequency). This variant, c.1439_1441dup, results in the insertion of 1 amino acid(s) to the MSH6 protein (p.Val480dup), but otherwise preserves the integrity of the reading frame. In summary, the available evidence is currently insufficient to determine the role of this variant in disease. Therefore, it has been classified as a Variant of Uncertain Significance. Experimental studies and prediction algorithms are not available or were not evaluated, and the functional significance of this variant is currently unknown.

NM_000179.3(MSH6):c.1439_1441dup (p.Val480dup)

Gene: MSH6 (mutS homolog 6; plus strand). Cytogenetic location: 2p16.3.
Variant type: Duplication.
Coding change: c.1439_1441dup on transcript NM_000179.3 (MANE Select); coding-DNA positions 1439 to 1441, 3 bases duplicated (TAG; older notation c.1439_1441dupTAG).
Protein change: p.Val480dup; duplicates valine 480.
Molecular consequence: inframe insertion.
Genome position (GRCh38, 1-based): chr2:47,799,422-47,799,424, TAG duplicated; duplicating any 3 consecutive bases within chr2:47,799,420-47,799,424 gives the same sequence; the c. name uses the placement nearest the transcript's 3' end. VCF-style (leftmost placement, unchanged base first): chr2-47799419-A-AAGT. GRCh37 (hg19) VCF-style: chr2-48026558-A-AAGT.
Other names: c.1049_1051dup, p.Val350dup (NM_001281492.2); c.533_535dup, p.Val178dup (NM_001281493.2, NM_001281494.2).
Identifiers: ClinVar variation 1009858 (VCV001009858.10), dbSNP rs1669331455, ClinGen allele CA2496048680.